The following is an entry in ClinVar:

ClinVar aggregate classification (germline): Uncertain significance (1 of 4 stars; one submission).

gnomAD v4.1: 1 of 1,614,226 alleles (0.000062%); highest among the groups gnomAD compares: Non-Finnish European, 0.000085%; no homozygotes.

Submission:

Labcorp Genetics (formerly Invitae), Labcorp
Classification: Uncertain significance. Last evaluated: 2024-04-14. Review status: criteria provided, single submitter. Criteria: Invitae Variant Classification Sherloc (09022015). Collection method: clinical testing. Allele origin: germline.
Comment: This sequence change replaces serine, which is neutral and polar, with asparagine, which is neutral and polar, at codon 1823 of the FLNB protein (p.Ser1823Asn). This variant is not present in population databases (gnomAD no frequency). This variant has not been reported in the literature in individuals affected with FLNB-related conditions. Advanced modeling of protein sequence and biophysical properties (such as structural, functional, and spatial information, amino acid conservation, physicochemical variation, residue mobility, and thermodynamic stability) performed at Invitae indicates that this missense variant is not expected to disrupt FLNB protein function with a negative predictive value of 95%. In summary, the available evidence is currently insufficient to determine the role of this variant in disease. Therefore, it has been classified as a Variant of Uncertain Significance.

NM_001457.4(FLNB):c.5468G>A (p.Ser1823Asn)

Gene: FLNB (filamin B; plus strand). Cytogenetic location: 3p14.3.
Variant type: single nucleotide variant.
Coding change: c.5468G>A on transcript NM_001457.4 (MANE Select); coding-DNA position 5468, G replaced by A.
Protein change: p.Ser1823Asn; replaces serine 1823 with asparagine.
Molecular consequence: missense variant.
Genome position (GRCh38, 1-based): chr3:58,145,963, G>A. VCF-style: chr3-58145963-G-A. GRCh37 (hg19) VCF-style: chr3-58131690-G-A.
Other names: c.5561G>A, p.Ser1854Asn (NM_001164317.2); c.5435G>A, p.Ser1812Asn (NM_001164318.2); c.5396G>A, p.Ser1799Asn (NM_001164319.2); short protein forms S1812N, S1799N, S1823N, S1854N.
Identifiers: ClinVar variation 3684948 (VCV003684948.2).
Genomic context (GRCh38, chr3:58,145,963, plus strand): 5'-TGTCCTTCGTAAACCCAGAGAGCCCACTCCAGTTCTACGTGAACTACCCCAACAGTGGAA[G>A]TGTTTCTGCATACGGTCCAGGCCTCGTGTATGGAGTGGCCAACAAAACTGCCACCTTCAC-3'
Protein context (NP_001448.2, residues 1813-1833): QFYVNYPNSG[Ser1823Asn]VSAYGPGLVY